The following is an entry in ClinVar:

NM_001040716.2(PC):c.3514G>T (p.Asp1172Tyr)

Gene: PC (pyruvate carboxylase; minus strand). Cytogenetic location: 11q13.2.
Variant type: single nucleotide variant.
Coding change: c.3514G>T on transcript NM_001040716.2 (MANE Select); coding-DNA position 3514, G replaced by T.
Protein change: p.Asp1172Tyr; replaces aspartic acid 1172 with tyrosine.
Molecular consequence: missense variant.
Genome position (GRCh38, 1-based): chr11:66,848,922, C>A on the plus strand (G>T on the coding strand, the complement: PC is on the minus strand). VCF-style: chr11-66848922-C-A. GRCh37 (hg19) VCF-style: chr11-66616393-C-A.
Other names: c.3514G>T, p.Asp1172Tyr (NM_000920.4, NM_022172.3); short protein forms D1172Y.
Identifiers: ClinVar variation 1963915 (VCV001963915.2), dbSNP rs568925019, ClinGen allele CA381489070.

ClinVar aggregate classification (germline): Uncertain significance (1 of 4 stars; one submission).

Conditions:
Pyruvate carboxylase deficiency. Also called: ATAXIA WITH LACTIC ACIDOSIS II; LEIGH NECROTIZING ENCEPHALOPATHY DUE TO PYRUVATE CARBOXYLASE DEFICIENCY; LEIGH SYNDROME DUE TO PYRUVATE CARBOXYLASE DEFICIENCY; PC DEFICIENCY; Pyruvate Carboxylase Deficiency Disease. Identifiers: Orphanet 3008, MedGen C0034341, MONDO:0009949, OMIM 266150.

gnomAD v4.1: 2 of 1,613,882 alleles (0.00012%); highest among the groups gnomAD compares: South Asian, 0.0011%; no homozygotes.

Submission:

Labcorp Genetics (formerly Invitae), Labcorp
Classification: Uncertain significance for Pyruvate carboxylase deficiency. Last evaluated: 2022-02-27. Review status: criteria provided, single submitter. Criteria: Invitae Variant Classification Sherloc (09022015). Collection method: clinical testing. Allele origin: germline.
Comment: This sequence change replaces aspartic acid, which is acidic and polar, with tyrosine, which is neutral and polar, at codon 1172 of the PC protein (p.Asp1172Tyr). This variant is not present in population databases (gnomAD no frequency). This variant has not been reported in the literature in individuals affected with PC-related conditions. Algorithms developed to predict the effect of missense changes on protein structure and function are either unavailable or do not agree on the potential impact of this missense change (SIFT: "Deleterious"; PolyPhen-2: "Probably Damaging"; Align-GVGD: "Class C15"). In summary, the available evidence is currently insufficient to determine the role of this variant in disease. Therefore, it has been classified as a Variant of Uncertain Significance.